The following is an entry in ClinVar:

ClinVar aggregate classification (germline): Uncertain significance (1 of 4 stars; one submission).

gnomAD v4.1: 10 of 1,432,490 alleles (0.0007%); highest among the groups gnomAD compares: Admixed American, 0.0017%; no homozygotes.

Submission:

Women's Health and Genetics/Laboratory Corporation of America, LabCorp
Classification: Uncertain significance. Last evaluated: 2024-08-19. Review status: criteria provided, single submitter. Criteria: LabCorp Variant Classification Summary - May 2015. Collection method: clinical testing. Allele origin: germline.
Comment: Variant summary: KCNT2 c.1399G>A (p.Gly467Arg) results in a non-conservative amino acid change located in the Calcium-activated potassium channel BK, alpha subunit (IPR003929) of the encoded protein sequence. Four of five in-silico tools predict a damaging effect of the variant on protein function. The variant allele was found at a frequency of 1.2e-05 in 243946 control chromosomes. The available data on variant occurrences in the general population are insufficient to allow any conclusion about variant significance. To our knowledge, no occurrence of c.1399G>A in individuals affected with Developmental And Epileptic Encephalopathy, 57 and no experimental evidence demonstrating its impact on protein function have been reported. No submitters have cited clinical-significance assessments for this variant to ClinVar. Based on the evidence outlined above, the variant was classified as uncertain significance.

NM_198503.5(KCNT2):c.1399G>A (p.Gly467Arg)

Gene: KCNT2 (potassium sodium-activated channel subfamily T member 2; minus strand). Cytogenetic location: 1q31.3.
Variant type: single nucleotide variant.
Coding change: c.1399G>A on transcript NM_198503.5 (MANE Select); coding-DNA position 1399, G replaced by A.
Protein change: p.Gly467Arg; replaces glycine 467 with arginine.
Molecular consequence: missense variant. On other transcripts: non-coding transcript variant (1).
Genome position (GRCh38, 1-based): chr1:196,373,144, C>T on the plus strand (G>A on the coding strand, the complement: KCNT2 is on the minus strand). VCF-style: chr1-196373144-C-T. GRCh37 (hg19) VCF-style: chr1-196342274-C-T.
Other names: c.1399G>A, p.Gly467Arg (NM_001287819.3, NM_001287820.3); short protein forms G467R.
Identifiers: ClinVar variation 3366740 (VCV003366740.1).
Genomic context (GRCh38, chr1:196,373,144, plus strand): 5'-CCCTTATTGTTTTTTATATAATTTAAAAGGTTAACTTAAAGAAAAAATATACTTACTGCC[C>T]TCTAGAGGTATGAACCAGTAGTGTAATAAGTGTAGATGTTGCTGGGCATATACAGTTTAA-3'
Protein context (NP_940905.2, residues 457-477): LITLLVHTSR[Gly467Arg]QEGQQSPEQW